The following is an entry in ClinVar:

ClinVar aggregate classification (germline): Uncertain significance. Review status: criteria provided, multiple submitters, no conflicts (2 of 4 stars). 2 submissions from 2 submitters: Uncertain significance (2). Last evaluated 2025-04-14.

Conditions:
Inborn genetic diseases. Identifiers: MedGen C0950123, MeSH D030342.

Allele frequency attached by ClinVar (database versions not stated): gnomAD 0.00001; TOPMed 0.00002; ExAC 0.00002.
gnomAD v4.1: 8 of 1,614,146 alleles (0.0005%); highest among the groups gnomAD compares: East Asian, 0.016%; no homozygotes.

Submissions (2):

Labcorp Genetics (formerly Invitae), Labcorp
Classification: Uncertain significance. Last evaluated: 2025-04-14. Review status: criteria provided, single submitter. Criteria: Invitae Variant Classification Sherloc (09022015). Collection method: clinical testing. Allele origin: germline.
Comment: This sequence change replaces asparagine, which is neutral and polar, with threonine, which is neutral and polar, at codon 34 of the RAD51 protein (p.Asn34Thr). This variant is present in population databases (rs751379027, gnomAD 0.02%). This variant has not been reported in the literature in individuals affected with RAD51-related conditions. ClinVar contains an entry for this variant (Variation ID: 3151033). An algorithm developed to predict the effect of missense changes on protein structure and function (PolyPhen-2) suggests that this variant is likely to be tolerated. In summary, the available evidence is currently insufficient to determine the role of this variant in disease. Therefore, it has been classified as a Variant of Uncertain Significance.

Ambry Genetics
Classification: Uncertain significance for Inborn genetic diseases. Last evaluated: 2024-01-29. Review status: criteria provided, single submitter. Criteria: Ambry Variant Classification Scheme 2023. Collection method: clinical testing. Allele origin: germline.

NM_002875.5(RAD51):c.101A>C (p.Asn34Thr)

Gene: RAD51 (RAD51 recombinase; plus strand). Cytogenetic location: 15q15.1.
Variant type: single nucleotide variant.
Coding change: c.101A>C on transcript NM_002875.5 (MANE Select); coding-DNA position 101, A replaced by C.
Protein change: p.Asn34Thr; replaces asparagine 34 with threonine.
Molecular consequence: missense variant.
Genome position (GRCh38, 1-based): chr15:40,701,077, A>C. VCF-style: chr15-40701077-A-C. GRCh37 (hg19) VCF-style: chr15-40993275-A-C.
Other names: c.101A>C, p.Asn34Thr (NM_001164269.2, NM_001164270.2, NM_133487.4); short protein forms N34T.
Identifiers: ClinVar variation 3151033 (VCV003151033.2), dbSNP rs751379027, ClinGen allele CA7483916.
Genomic context (GRCh38, chr15:40,701,077, plus strand): 5'-TTAGAGAACTAAAGCTTAAATTTATCCATGGTTTTCTTCATTTGCAGCAGTGTGGCATAA[A>C]TGCCAACGATGTGAAGAAATTGGAAGAAGCTGGATTCCATACTGTGGAGGCTGTTGCCTA-3'
Protein context (NP_002866.2, residues 24-44): PISRLEQCGI[Asn34Thr]ANDVKKLEEA